The following is an entry in ClinVar:

ClinVar aggregate classification (germline): Likely benign (0 of 4 stars; one submission).

Conditions:
TBX3-related disorder. Also called: TBX3-related condition.

Submission:

PreventionGenetics, part of Exact Sciences
Classification: Likely benign for TBX3-related condition. Last evaluated: 2023-03-07. Review status: no assertion criteria provided. Collection method: clinical testing. Allele origin: germline.
Comment: This variant is classified as likely benign based on ACMG/AMP sequence variant interpretation guidelines (Richards et al. 2015 PMID: 25741868, with internal and published modifications).

NM_005996.4(TBX3):c.-881_-880insGTCT

Genes: TBX3 (T-box transcription factor 3; minus strand), TBX3-AS1 (TBX3 antisense RNA 1; plus strand). Cytogenetic location: 12q24.21.
Variant type: Insertion.
Coding change: c.-881_-880insGTCT on transcript NM_005996.4 (MANE Select); 881 bases upstream of the start codon through 880 bases upstream of the start codon, GTCT inserted.
Molecular consequence: 5 prime UTR variant.
Genome position: GRCh38 VCF-style: chr12-114684080-G-GAGAC. GRCh37 (hg19) VCF-style: chr12-115121885-G-GAGAC.
Other names: c.-881_-880insGTCT (NM_016569.4).
Identifiers: ClinVar variation 3357000 (VCV003357000.1).